The following is an entry in ClinVar:

ClinVar aggregate classification (germline): Likely benign (1 of 4 stars; one submission).

Submission:

CeGaT Center for Human Genetics Tuebingen
Classification: Likely benign. Last evaluated: 2023-03-01. Review status: criteria provided, single submitter. Criteria: CeGaT Center For Human Genetics Tuebingen Variant Classification Criteria Version 2. Collection method: clinical testing. Allele origin: germline. Affected: yes. Observed: 1 variant allele.
Comment: TAF6: PM2:Supporting, BP4, BP7

NM_139315.3(TAF6):c.846G>A (p.Leu282=)

Gene: TAF6 (TATA-box binding protein associated factor 6; minus strand). Cytogenetic location: 7q22.1.
Variant type: single nucleotide variant.
Coding change: c.846G>A on transcript NM_139315.3 (MANE Select); coding-DNA position 846, G replaced by A.
Protein change: p.Leu282=; no amino-acid change (leucine 282 retained).
Molecular consequence: synonymous variant. On other transcripts: non-coding transcript variant (1).
Genome position (GRCh38, 1-based): chr7:100,111,782, C>T on the plus strand (G>A on the coding strand, the complement: TAF6 is on the minus strand). VCF-style: chr7-100111782-C-T. GRCh37 (hg19) VCF-style: chr7-99709405-C-T.
Other names: c.957G>A, p.Leu319= (NM_001190415.2); c.846G>A, p.Leu282= (NM_001364998.1, NM_001364999.1, NM_005641.4); c.816G>A, p.Leu272= (NM_001365000.1, NM_001365001.1, NM_001365002.1 and 1 more transcripts); c.984G>A, p.Leu328= (NM_001365004.1).
Identifiers: ClinVar variation 2657735 (VCV002657735.24), dbSNP rs2546989245, ClinGen allele CA456722557.